The following is an entry in ClinVar:

ClinVar aggregate classification (germline): Uncertain significance (1 of 4 stars; one submission).

Conditions:
PLXNA1-related disorder. Also called: PLXNA1-related condition.

gnomAD v4.1: 5 of 1,612,644 alleles (0.00031%); highest among the groups gnomAD compares: Non-Finnish European, 0.00042%; no homozygotes.

Submission:

PreventionGenetics, part of Exact Sciences
Classification: Uncertain significance for PLXNA1-related condition. Last evaluated: 2025-07-20. Review status: criteria provided, single submitter. Criteria: ACMG Guidelines, 2015. Collection method: clinical testing. Allele origin: germline.
Comment: The PLXNA1 c.1805A>T variant is predicted to result in the amino acid substitution p.Asp602Val. To our knowledge, this variant has not been reported in the literature or in a large population database (gnomAD), indicating this variant is rare. At this time, the clinical significance of this variant is uncertain due to the absence of conclusive functional and genetic evidence.

NM_032242.4(PLXNA1):c.1805A>T (p.Asp602Val)

Gene: PLXNA1 (plexin A1; plus strand). Cytogenetic location: 3q21.3.
Variant type: single nucleotide variant.
Coding change: c.1805A>T on transcript NM_032242.4 (MANE Select); coding-DNA position 1805, A replaced by T.
Protein change: p.Asp602Val; replaces aspartic acid 602 with valine.
Molecular consequence: missense variant.
Genome position (GRCh38, 1-based): chr3:127,005,151, A>T. VCF-style: chr3-127005151-A-T. GRCh37 (hg19) VCF-style: chr3-126723994-A-T.
Other names: short protein forms D602V.
Identifiers: ClinVar variation 4989198 (VCV004989198.1).
Genomic context (GRCh38, chr3:127,005,151, plus strand): 5'-TTGTGCTGCAGGCCTGGAACGTGCCTGACCTCTCAGCTGGCGTCAACTGCTCCTTCGAGG[A>T]CTTCACGGAATCTGAGAGCGTCCTGGAGGATGGCCGGATCCACTGCCGCTCACCCTCCGC-3'
Protein context (NP_115618.3, residues 592-612): LSAGVNCSFE[Asp602Val]FTESESVLED